The following is an entry in ClinVar:

NM_172107.4(KCNQ2):c.1663T>C (p.Phe555Leu)

Gene: KCNQ2 (potassium voltage-gated channel subfamily Q member 2; minus strand). Cytogenetic location: 20q13.33.
Variant type: single nucleotide variant.
Coding change: c.1663T>C on transcript NM_172107.4 (MANE Select); coding-DNA position 1663, T replaced by C.
Protein change: p.Phe555Leu; replaces phenylalanine 555 with leucine.
Molecular consequence: missense variant.
Genome position (GRCh38, 1-based): chr20:63,413,550, A>G on the plus strand (T>C on the coding strand, the complement: KCNQ2 is on the minus strand). VCF-style: chr20-63413550-A-G. GRCh37 (hg19) VCF-style: chr20-62044903-A-G.
Other names: c.1579T>C, p.Phe527Leu (NM_004518.6); c.1609T>C, p.Phe537Leu (NM_172106.3); c.1570T>C, p.Phe524Leu (NM_172108.5); short protein forms F555L, F524L, F527L, F537L.
Identifiers: ClinVar variation 813758 (VCV000813758.5), dbSNP rs2145542277, ClinGen allele CA409643953.

ClinVar aggregate classification (germline): Pathogenic/Likely pathogenic. Review status: criteria provided, multiple submitters, no conflicts (2 of 4 stars). 2 submissions from 2 submitters: Pathogenic (1); Likely pathogenic (1). Last evaluated 2022-01-28.

Conditions:
Seizures, benign familial neonatal, 1. Also called: Seizures, benign neonatal, 1; KCNQ2-Related Self-Limited Familial Neonatal Epilepsy (SLFNE); Benign Neonatal Epilepsy 1; KCNQ2-Related Benign Familial Neonatal Epilepsy. Identifiers: Orphanet 1949, MedGen C3149074, MONDO:0007365, OMIM 121200.
Early-infantile DEE. Also called: Ohtahara syndrome; Early infantile epileptic encephalopathy; Early infantile epileptic encephalopathy with suppression bursts. Identifiers: Orphanet 1934, MedGen C0393706, MONDO:0800491.

Submissions (2):

Labcorp Genetics (formerly Invitae), Labcorp
Classification: Pathogenic for Early-infantile DEE. Last evaluated: 2022-01-28. Review status: criteria provided, single submitter. Criteria: Invitae Variant Classification Sherloc (09022015). Collection method: clinical testing. Allele origin: germline.
Comment: Advanced modeling of protein sequence and biophysical properties (such as structural, functional, and spatial information, amino acid conservation, physicochemical variation, residue mobility, and thermodynamic stability) performed at Invitae indicates that this missense variant is expected to disrupt KCNQ2 protein function. This sequence change replaces phenylalanine, which is neutral and non-polar, with leucine, which is neutral and non-polar, at codon 555 of the KCNQ2 protein (p.Phe555Leu). This variant is not present in population databases (gnomAD no frequency). This missense change has been observed in individual(s) with KCNQ2-related conditions (PMID: 33659638; Invitae). In at least one individual the variant was observed to be de novo. ClinVar contains an entry for this variant (Variation ID: 813758). For these reasons, this variant has been classified as Pathogenic.

Cytogénomique, Hospices Civils de Lyon
Classification: Likely pathogenic for Seizures, benign familial neonatal, 1. Last evaluated: 2018-02-22. Review status: criteria provided, single submitter. Criteria: ACMG Guidelines, 2015. Collection method: clinical testing. Allele origin: unknown. Inheritance: Autosomal dominant inheritance. Affected: yes.

Literature cited by the submitters: PubMed 33659638 (cited by Labcorp Genetics (formerly Invitae), Labcorp).